The following is an entry in ClinVar:

ClinVar aggregate classification (germline): Pathogenic (1 of 4 stars; one submission).

Conditions:
Fanconi anemia (FA). Also called: Fanconi's anemia. Identifiers: Orphanet 84, MedGen C0015625, MeSH D005199, MONDO:0019391.

Submission:

Labcorp Genetics (formerly Invitae), Labcorp
Classification: Pathogenic for Fanconi anemia. Last evaluated: 2022-08-19. Review status: criteria provided, single submitter. Criteria: Invitae Variant Classification Sherloc (09022015). Collection method: clinical testing. Allele origin: germline.
Comment: This variant is a gross deletion of the genomic region encompassing exon(s) 15 of the FANCA gene. This variant would be expected to be in-frame, preserving the integrity of the reading frame. A similar copy number variant has been observed in individual(s) with Fanconi anemia (PMID: 17924555, 24689079). It is commonly reported in individuals of Tunisian ancestry (PMID: 24689079). For these reasons, this variant has been classified as Pathogenic.

Literature cited by the submitters: PubMed 17924555; PubMed 24689079.

NC_000016.10:g.(?_89784844)_(89784974_?)del

Gene: FANCA (FA complementation group A; minus strand). Cytogenetic location: 16q24.3.
Variant type: Deletion.
Identifiers: ClinVar variation 833513 (VCV000833513.7).